The following is an entry in ClinVar:

NM_001365951.3(KIF1B):c.2575G>T (p.Ala859Ser)

Gene: KIF1B (kinesin family member 1B; plus strand). Cytogenetic location: 1p36.22.
Variant type: single nucleotide variant.
Coding change: c.2575G>T on transcript NM_001365951.3 (MANE Select); coding-DNA position 2575, G replaced by T.
Protein change: p.Ala859Ser; replaces alanine 859 with serine.
Molecular consequence: missense variant.
Genome position (GRCh38, 1-based): chr1:10,324,795, G>T. VCF-style: chr1-10324795-G-T. GRCh37 (hg19) VCF-style: chr1-10384853-G-T.
Other names: c.2575G>T, p.Ala859Ser (NM_001365952.1); c.2437G>T, p.Ala813Ser (NM_015074.3); short protein forms A859S, A813S.
Identifiers: ClinVar variation 1791248 (VCV001791248.3), dbSNP rs2521629510, ClinGen allele CA338335535.

ClinVar aggregate classification (germline): Uncertain significance (1 of 4 stars; one submission).

Submission:

Ambry Genetics
Classification: Uncertain significance. Last evaluated: 2025-06-06. Review status: criteria provided, single submitter. Criteria: Ambry Variant Classification Scheme 2023. Collection method: clinical testing. Allele origin: germline.
Comment: The p.A813S variant (also known as c.2437G>T), located in coding exon 23 of the KIF1B gene, results from a G to T substitution at nucleotide position 2437. The alanine at codon 813 is replaced by serine, an amino acid with similar properties. This amino acid position is conserved. In addition, the in silico prediction for this alteration is inconclusive. Since supporting evidence is limited at this time, the clinical significance of this alteration remains unclear.